The following is an entry in ClinVar:

NM_000426.4(LAMA2):c.2370T>A (p.Pro790=)

Gene: LAMA2 (laminin subunit alpha 2; plus strand). Cytogenetic location: 6q22.33.
Variant type: single nucleotide variant.
Coding change: c.2370T>A on transcript NM_000426.4 (MANE Select); coding-DNA position 2370, T replaced by A.
Protein change: p.Pro790=; no amino-acid change (proline 790 retained).
Molecular consequence: synonymous variant.
Genome position (GRCh38, 1-based): chr6:129,270,671, T>A. VCF-style: chr6-129270671-T-A. GRCh37 (hg19) VCF-style: chr6-129591816-T-A.
Other names: c.2370T>A, p.Pro790= (NM_001079823.2).
Identifiers: ClinVar variation 2821923 (VCV002821923.3), dbSNP rs760128108, ClinGen allele CA146880590.

ClinVar aggregate classification (germline): Pathogenic (1 of 4 stars; one submission).

Conditions:
LAMA2-related muscular dystrophy (LAMA2-RD). Also called: Laminin alpha 2-related dystrophy. Identifiers: MedGen C5679788, MONDO:0100228.

gnomAD v4.1: 1 of 1,613,124 alleles (0.000062%); highest among the groups gnomAD compares: Non-Finnish European, 0.000085%; no homozygotes.

Submission:

Labcorp Genetics (formerly Invitae), Labcorp
Classification: Pathogenic for LAMA2-related muscular dystrophy. Last evaluated: 2022-12-18. Review status: criteria provided, single submitter. Criteria: Invitae Variant Classification Sherloc (09022015). Collection method: clinical testing. Allele origin: germline.
Comment: For these reasons, this variant has been classified as Pathogenic. Algorithms developed to predict the effect of sequence changes on RNA splicing suggest that this variant may disrupt the consensus splice site. This variant has been observed in individual(s) with clinical features of LAMA2-related conditions and/or congenital muscular dystrophy type 1A (PMID: 30055037; Invitae). In at least one individual the data is consistent with being in trans (on the opposite chromosome) from a pathogenic variant. This variant is not present in population databases (gnomAD no frequency). This sequence change affects codon 790 of the LAMA2 mRNA. It is a 'silent' change, meaning that it does not change the encoded amino acid sequence of the LAMA2 protein.

Literature cited by the submitters: PubMed 30055037.